The following is an entry in ClinVar:

ClinVar aggregate classification (germline): Uncertain significance (1 of 4 stars; one submission).

gnomAD v4.1: 28 of 1,613,752 alleles (0.0017%); highest among the groups gnomAD compares: Non-Finnish European, 0.0024%; no homozygotes.

Submission:

Labcorp Genetics (formerly Invitae), Labcorp
Classification: Uncertain significance. Last evaluated: 2024-09-12. Review status: criteria provided, single submitter. Criteria: Invitae Variant Classification Sherloc (09022015). Collection method: clinical testing. Allele origin: germline.
Comment: This sequence change replaces serine, which is neutral and polar, with cysteine, which is neutral and slightly polar, at codon 276 of the FOXP1 protein (p.Ser276Cys). This variant is present in population databases (rs766384570, gnomAD 0.005%). This variant has not been reported in the literature in individuals affected with FOXP1-related conditions. Invitae Evidence Modeling of protein sequence and biophysical properties (such as structural, functional, and spatial information, amino acid conservation, physicochemical variation, residue mobility, and thermodynamic stability) indicates that this missense variant is not expected to disrupt FOXP1 protein function with a negative predictive value of 95%. In summary, the available evidence is currently insufficient to determine the role of this variant in disease. Therefore, it has been classified as a Variant of Uncertain Significance.

NM_001349338.3(FOXP1):c.827C>G (p.Ser276Cys)

Gene: FOXP1 (forkhead box P1; minus strand). Cytogenetic location: 3p13.
Variant type: single nucleotide variant.
Coding change: c.827C>G on transcript NM_001349338.3 (MANE Select); coding-DNA position 827, C replaced by G.
Protein change: p.Ser276Cys; replaces serine 276 with cysteine.
Molecular consequence: missense variant. On other transcripts: non-coding transcript variant (2).
Genome position (GRCh38, 1-based): chr3:71,041,370, G>C on the plus strand (C>G on the coding strand, the complement: FOXP1 is on the minus strand). VCF-style: chr3-71041370-G-C. GRCh37 (hg19) VCF-style: chr3-71090521-G-C.
Other names: c.827C>G, p.Ser276Cys (NM_001244808.3, NM_001244810.2, NM_001244814.3 and 3 more transcripts); c.599C>G, p.Ser200Cys (NM_001244812.3); c.527C>G, p.Ser176Cys (NM_001244813.3, NM_001244815.2, NM_001349342.3 and 1 more transcripts); c.524C>G, p.Ser175Cys (NM_001349337.2, NM_001349343.3, NM_001349344.3); c.824C>G, p.Ser275Cys (NM_001349341.3); short protein forms S175C, S176C, S200C, S275C, S276C.
Identifiers: ClinVar variation 3615902 (VCV003615902.2).